The following is an entry in ClinVar:

NM_000390.4(CHM):c.1355T>A (p.Ile452Asn)

Gene: CHM (CHM Rab escort protein; minus strand). Cytogenetic location: Xq21.2.
Variant type: single nucleotide variant.
Coding change: c.1355T>A on transcript NM_000390.4 (MANE Select); coding-DNA position 1355, T replaced by A.
Protein change: p.Ile452Asn; replaces isoleucine 452 with asparagine.
Molecular consequence: missense variant.
Genome position (GRCh38, 1-based): chrX:85,900,704, A>T on the plus strand (T>A on the coding strand, the complement: CHM is on the minus strand). VCF-style: chrX-85900704-A-T. GRCh37 (hg19) VCF-style: chrX-85155709-A-T.
Other names: c.911T>A, p.Ile304Asn (NM_001320959.1, NM_001362517.1, NM_001362518.2 and 1 more transcripts); short protein forms I304N, I452N.
Identifiers: ClinVar variation 2064890 (VCV002064890.3), dbSNP rs747660065, ClinGen allele CA10465391.

ClinVar aggregate classification (germline): Uncertain significance. Review status: criteria provided, multiple submitters, no conflicts (2 of 4 stars). 3 submissions from 3 submitters: Uncertain significance (3). Last evaluated 2025-02-26.

Conditions:
Inborn genetic diseases. Identifiers: MedGen C0950123, MeSH D030342.

Allele frequency attached by ClinVar (database versions not stated): gnomAD 0.00003; TOPMed 0.00003; ExAC 0.00004; gnomAD exomes 0.00008.
gnomAD v4.1: 84 of 1,178,979 alleles (0.0071%); highest among the groups gnomAD compares: Non-Finnish European, 0.0094%; no homozygotes.

Submissions (3):

Ambry Genetics
Classification: Uncertain significance for Inborn genetic diseases. Last evaluated: 2025-02-26. Review status: criteria provided, single submitter. Criteria: Ambry Variant Classification Scheme 2023. Collection method: clinical testing. Allele origin: germline.

Labcorp Genetics (formerly Invitae), Labcorp
Classification: Uncertain significance. Last evaluated: 2022-07-05. Review status: criteria provided, single submitter. Criteria: Invitae Variant Classification Sherloc (09022015). Collection method: clinical testing. Allele origin: germline.
Comment: This sequence change replaces isoleucine, which is neutral and non-polar, with asparagine, which is neutral and polar, at codon 452 of the CHM protein (p.Ile452Asn). This variant is present in population databases (rs747660065, gnomAD 0.007%), including at least one homozygous and/or hemizygous individual. This variant has not been reported in the literature in individuals affected with CHM-related conditions. Algorithms developed to predict the effect of missense changes on protein structure and function (SIFT, PolyPhen-2, Align-GVGD) all suggest that this variant is likely to be disruptive. In summary, the available evidence is currently insufficient to determine the role of this variant in disease. Therefore, it has been classified as a Variant of Uncertain Significance.

Blueprint Genetics
Classification: Uncertain significance. Last evaluated: 2020-10-12. Review status: criteria provided, single submitter. Criteria: ACMG Guidelines, 2015. Collection method: clinical testing. Allele origin: germline.